The following is an entry in ClinVar:

NM_012210.4(TRIM32):c.883G>T (p.Val295Phe)

Genes: ASTN2 (astrotactin 2; minus strand), TRIM32 (tripartite motif containing 32; plus strand). Cytogenetic location: 9q33.1.
Variant type: single nucleotide variant.
Coding change: c.883G>T on transcript NM_012210.4 (MANE Select); coding-DNA position 883, G replaced by T.
Protein change: p.Val295Phe; replaces valine 295 with phenylalanine.
Molecular consequence: missense variant. On other transcripts: intron variant (3).
Genome position (GRCh38, 1-based): chr9:116,698,625, G>T. VCF-style: chr9-116698625-G-T. GRCh37 (hg19) VCF-style: chr9-119460904-G-T.
Other names: c.2653+27146C>A (NM_014010.5); c.2794+27146C>A (NM_001365069.1); c.2806+27146C>A (NM_001365068.1); c.883G>T, p.Val295Phe (NM_001099679.2, NM_001379048.1, NM_001379049.1 and 1 more transcripts); short protein forms V295F.
Identifiers: ClinVar variation 1450293 (VCV001450293.7), dbSNP rs1554732997, ClinGen allele CA374650200.

ClinVar aggregate classification (germline): Uncertain significance (1 of 4 stars; one submission).

Conditions:
Bardet-Biedl syndrome (BBS). Identifiers: Orphanet 110, MedGen C0752166, MONDO:0015229.

gnomAD v4.1: 1 of 1,614,146 alleles (0.000062%); no homozygotes.

Submission:

Labcorp Genetics (formerly Invitae), Labcorp
Classification: Uncertain significance for Bardet-Biedl syndrome. Last evaluated: 2022-07-26. Review status: criteria provided, single submitter. Criteria: Invitae Variant Classification Sherloc (09022015). Collection method: clinical testing. Allele origin: germline.
Comment: This sequence change replaces valine, which is neutral and non-polar, with phenylalanine, which is neutral and non-polar, at codon 295 of the TRIM32 protein (p.Val295Phe). This variant is not present in population databases (gnomAD no frequency). This variant has not been reported in the literature in individuals affected with TRIM32-related conditions. ClinVar contains an entry for this variant (Variation ID: 1450293). Algorithms developed to predict the effect of missense changes on protein structure and function are either unavailable or do not agree on the potential impact of this missense change (SIFT: "Deleterious"; PolyPhen-2: "Possibly Damaging"; Align-GVGD: "Class C0"). In summary, the available evidence is currently insufficient to determine the role of this variant in disease. Therefore, it has been classified as a Variant of Uncertain Significance.